The following is an entry in ClinVar:

ClinVar aggregate classification (germline): Uncertain significance (1 of 4 stars; one submission).

Conditions:
Sulfite oxidase deficiency due to molybdenum cofactor deficiency type C. Also called: Molybdenum cofactor deficiency, complementation group C; Molybdenum cofactor deficiency C. Identifiers: Orphanet 308400, Orphanet 833, MedGen C1854990, MONDO:0014212, OMIM 615501.

gnomAD v4.1: 1 of 1,612,536 alleles (0.000062%); highest among the groups gnomAD compares: Non-Finnish European, 0.000085%; no homozygotes.

Submission:

Labcorp Genetics (formerly Invitae), Labcorp
Classification: Uncertain significance for Sulfite oxidase deficiency due to molybdenum cofactor deficiency type C. Last evaluated: 2021-02-02. Review status: criteria provided, single submitter. Criteria: Invitae Variant Classification Sherloc (09022015). Collection method: clinical testing. Allele origin: germline.
Comment: This sequence change replaces arginine with leucine at codon 443 of the GPHN protein (p.Arg443Leu). The arginine residue is highly conserved and there is a moderate physicochemical difference between arginine and leucine. In summary, the available evidence is currently insufficient to determine the role of this variant in disease. Therefore, it has been classified as a Variant of Uncertain Significance. Algorithms developed to predict the effect of missense changes on protein structure and function are either unavailable or do not agree on the potential impact of this missense change (SIFT: "Deleterious"; PolyPhen-2: "Probably Damaging"; Align-GVGD: "Class C0"). This variant has not been reported in the literature in individuals with GPHN-related conditions. This variant is not present in population databases (ExAC no frequency).

NM_020806.5(GPHN):c.1328G>T (p.Arg443Leu)

Gene: GPHN (gephyrin; plus strand). Cytogenetic location: 14q23.3.
Variant type: single nucleotide variant.
Coding change: c.1328G>T on transcript NM_020806.5 (MANE Select); coding-DNA position 1328, G replaced by T.
Protein change: p.Arg443Leu; replaces arginine 443 with leucine.
Molecular consequence: missense variant.
Genome position (GRCh38, 1-based): chr14:67,110,174, G>T. VCF-style: chr14-67110174-G-T. GRCh37 (hg19) VCF-style: chr14-67576891-G-T.
Other names: c.1229G>T, p.Arg410Leu (NM_001024218.2); c.1388G>T, p.Arg463Leu (NM_001377514.1); c.1358G>T, p.Arg453Leu (NM_001377515.1); c.1349G>T, p.Arg450Leu (NM_001377516.1); c.1301G>T, p.Arg434Leu (NM_001377517.1); c.1286G>T, p.Arg429Leu (NM_001377518.1); c.1268G>T, p.Arg423Leu (NM_001377519.1); short protein forms R410L, R443L, R450L, R453L, R423L, R429L, R463L, R434L.
Identifiers: ClinVar variation 1504788 (VCV001504788.8), dbSNP rs745338809, ClinGen allele CA390257864.
Genomic context (GRCh38, chr14:67,110,174, plus strand): 5'-ACTGTCTTTTTCATCTTTATTTCCAGCCAACTCAGACAGTAATGCCAGGACAAGTCATGC[G>T]GGTTACAACAGGTGCTCCAATACCCTGCGGTGCTGATGCAGTAGTACAAGTGGAAGATAC-3'
Protein context (NP_065857.1, residues 433-453): TQTVMPGQVM[Arg443Leu]VTTGAPIPCG